The following is an entry in ClinVar:

ClinVar aggregate classification (germline): Pathogenic (1 of 4 stars; one submission).

Conditions:
Familial hemophagocytic lymphohistiocytosis 5. Also called: STXBP2-Related Familial Hemophagocytic Lymphohistiocytosis (STXBP2-fHLH). Identifiers: Orphanet 540, MedGen C2751293, MONDO:0013135, OMIM 613101.

Submission:

Labcorp Genetics (formerly Invitae), Labcorp
Classification: Pathogenic for Familial hemophagocytic lymphohistiocytosis 5. Last evaluated: 2025-06-15. Review status: criteria provided, single submitter. Criteria: Invitae Variant Classification Sherloc (09022015). Collection method: clinical testing. Allele origin: germline.
Comment: This sequence change creates a premature translational stop signal (p.Cys180*) in the STXBP2 gene. It is expected to result in an absent or disrupted protein product. Loss-of-function variants in STXBP2 are known to be pathogenic (PMID: 19804848, 22451424). Information on the frequency of this variant in the gnomAD database is not available, as this variant may be reported differently in the database. This premature translational stop signal has been observed in individual(s) with clinical features of hemophagocytic lymphohistiocytosis (PMID: 32542393). ClinVar contains an entry for this variant (Variation ID: 1410439). For these reasons, this variant has been classified as Pathogenic.

Literature cited by the submitters: PubMed 19804848; PubMed 22451424; PubMed 32542393.

NM_006949.4(STXBP2):c.539_540delinsAA (p.Cys180Ter)

Gene: STXBP2 (syntaxin binding protein 2; plus strand). Cytogenetic location: 19p13.2.
Variant type: Indel.
Coding change: c.539_540delinsAA on transcript NM_006949.4 (MANE Select); coding-DNA positions 539 to 540, GC replaced by AA.
Protein change: p.Cys180Ter; replaces cysteine 180 with a stop codon.
Molecular consequence: nonsense. On other transcripts: non-coding transcript variant (1).
Genome position (GRCh38, 1-based): chr19:7,641,814-7,641,815, GC replaced by AA. VCF-style: chr19-7641814-GC-AA. GRCh37 (hg19) VCF-style: chr19-7706700-GC-AA.
Other names: c.530_531delinsAA, p.Cys177Ter (NM_001127396.3); c.572_573delinsAA, p.Cys191Ter (NM_001272034.2); short protein forms C191*, C180*, C177*.
Identifiers: ClinVar variation 1410439 (VCV001410439.6), dbSNP rs2146216115, ClinGen allele CA2573155926.